The following is an entry in ClinVar:

NM_000330.4(RS1):c.253_255del (p.Asn85del)

Genes: CDKL5 (cyclin dependent kinase like 5; plus strand), RS1 (retinoschisin 1; minus strand). Cytogenetic location: Xp22.13.
Variant type: Deletion.
Coding change: c.253_255del on transcript NM_000330.4 (MANE Select); coding-DNA positions 253 to 255, 3 bases deleted (AAC; older notation c.253_255delAAC).
Protein change: p.Asn85del; deletes asparagine 85.
Molecular consequence: inframe deletion. On other transcripts: inframe indel (1), intron variant (2).
Genome position (GRCh38, 1-based): chrX:18,647,262-18,647,264, GTT deleted on the plus strand (AAC on the coding strand, the reverse complement: RS1 is on the minus strand). VCF-style (leftmost placement, unchanged base first): chrX-18647261-GGTT-G. GRCh37 (hg19) VCF-style: chrX-18665381-GGTT-G.
Other names: NM_000330.4(RS1):c.253_255del; p.Asn85del; c.253_255delAAC, p.Asn85del (NM_000330.3); c.2797+1172_2797+1174del (NM_003159.3, NM_001037343.2); short protein forms N85del.
Identifiers: ClinVar variation 98921 (VCV000098921.15), dbSNP rs61750458, ClinGen allele CA226639.
Genomic context (GRCh38, chrX:18,647,261, plus strand): 5'-GACTGTTGAGCCGGGCCTTGTTTGCAGTCCACGAAGAATACCAGCCCACATACTGCTCCG[GGTT>G]AGAGCAGGTGATCTGGTCCGGTGTGACCTCCCCTGACTCGAAACCCAGAGGCTTGTGATA-3'

ClinVar aggregate classification (germline): Uncertain significance. Review status: reviewed by expert panel (3 of 4 stars). 5 submissions from 5 submitters: Uncertain significance (1). 4 of the submissions do not count toward it. Last evaluated 2025-05-19.

Conditions:
RS1-related disorder. Also called: RS1-related condition.
Retinal dystrophy. Also called: Inherited retinal dystrophy. Identifiers: Orphanet 71862, MedGen C0854723, MeSH D058499, MONDO:0019118, HP:0000556.
Juvenile retinoschisis (RS1). Also called: X-Linked Juvenile Retinoschisis; X-linked retinoschisis. Identifiers: Orphanet 792, MedGen C3714753, MONDO:0010725, OMIM 312700.

Submissions (5):

ClinGen X-linked Inherited Retinal Disease Variant Curation Expert Panel, ClinGen
Classification: Uncertain significance for Juvenile retinoschisis. Last evaluated: 2025-05-19. Review status: reviewed by expert panel. Criteria: ClinGen X LinkedIRD ACMG Specifications RS1 V1.0.0. Collection method: curation. Allele origin: germline. Inheritance: X-linked inheritance.
Comment: The NM_000330.4(RS1):c.253_255del variant is an in-frame deletion variant in amino acid 85 not predicted to result in premature protein termination. This variant is absent from hemizygous individuals in gnomAD v4.1.0 (PM2_Supporting). This variant is a short in-frame deletion of 3 base pairs that encode amino acid 85 within a non-repetitive region of RS1 (PM4). This variant has been reported in at least 2 probands meeting the PS4 requirement of a male diagnosed with X-linked retinoschisis (PS4_supporting, PMIDs: 10533068, 39462066). In summary, this variant is classified as a variant of uncertain significance for X-linked retinoschisis based on the ClinGen X-linked Inherited Retinal Disease Expert Panel Specifications to the ACMG/AMP Variant Interpretation Guidelines for RS1 Version 1.0.0: PM2_supporting, PS4_supporting, and PM4 (date of approval 01/24/2025).

Blueprint Genetics
Classification: Pathogenic for RS1-related disorders. Last evaluated: 2022-09-02. Review status: criteria provided, single submitter. Criteria: ACMG Guidelines, 2015. Collection method: clinical testing. Allele origin: germline. Affected: yes. Observed: 2 variant alleles. Not counted in ClinVar's aggregate classification.

Labcorp Genetics (formerly Invitae), Labcorp
Classification: Uncertain significance. Last evaluated: 2020-12-08. Review status: criteria provided, single submitter. Criteria: Invitae Variant Classification Sherloc (09022015). Collection method: clinical testing. Allele origin: germline. Not counted in ClinVar's aggregate classification.
Comment: In summary, the available evidence is currently insufficient to determine the role of this variant in disease. Therefore, it has been classified as a Variant of Uncertain Significance. Experimental studies and prediction algorithms are not available or were not evaluated for this variant, and the functional significance of this variant is currently unknown. This variant has been observed in an individual affected with retinoschisis (PMID: 10533068). ClinVar contains an entry for this variant (Variation ID: 98921). This variant is not present in population databases (ExAC no frequency). This variant, c.253_255del, results in the deletion of 1 amino acid(s) of the RS1 protein (p.Asn85del), but otherwise preserves the integrity of the reading frame.

Institute of Human Genetics, Univ. Regensburg, Univ. Regensburg
Classification: Likely pathogenic for Retinal dystrophy. Last evaluated: 2018-01-01. Review status: criteria provided, single submitter. Criteria: ACMG Guidelines, 2015. Collection method: clinical testing. Allele origin: germline. Affected: yes. Not counted in ClinVar's aggregate classification.

Retina International
No classification provided. Review status: no classification provided. Collection method: not provided. Allele origin: unknown. Not counted in ClinVar's aggregate classification.

Literature cited by the submitters: PubMed 10533068 (cited by Labcorp Genetics (formerly Invitae), Labcorp and Institute of Human Genetics, Univ. Regensburg, Univ. Regensburg); PubMed 3545648 (cited by Institute of Human Genetics, Univ. Regensburg, Univ. Regensburg).